The following is an entry in ClinVar:

NM_014846.4(WASHC5):c.1381A>G (p.Lys461Glu)

Gene: WASHC5 (WASH complex subunit 5; minus strand). Cytogenetic location: 8q24.13.
Variant type: single nucleotide variant.
Coding change: c.1381A>G on transcript NM_014846.4 (MANE Select); coding-DNA position 1381, A replaced by G.
Protein change: p.Lys461Glu; replaces lysine 461 with glutamic acid.
Molecular consequence: missense variant.
Genome position (GRCh38, 1-based): chr8:125,063,549, T>C on the plus strand (A>G on the coding strand, the complement: WASHC5 is on the minus strand). VCF-style: chr8-125063549-T-C. GRCh37 (hg19) VCF-style: chr8-126075791-T-C.
Other names: c.937A>G, p.Lys313Glu (NM_001330609.2); short protein forms K313E, K461E.
Identifiers: ClinVar variation 4783311 (VCV004783311.1).

ClinVar aggregate classification (germline): Uncertain significance (1 of 4 stars; one submission).

Conditions:
Ritscher-Schinzel syndrome. Also called: CRANIOCEREBELLOCARDIAC DYSPLASIA. Identifiers: Orphanet 7, MedGen C0796137, MONDO:0019078.
Hereditary spastic paraplegia 8 (SPG8). Also called: SPASTIC PARAPLEGIA 8, AUTOSOMAL DOMINANT. Identifiers: Orphanet 100989, MedGen C1863704, MONDO:0011339, OMIM 603563.

Submission:

Labcorp Genetics (formerly Invitae), Labcorp
Classification: Uncertain significance for Ritscher-Schinzel syndrome; Hereditary spastic paraplegia 8. Last evaluated: 2025-08-06. Review status: criteria provided, single submitter. Criteria: Invitae Variant Classification Sherloc (09022015). Collection method: clinical testing. Allele origin: germline.
Comment: This sequence change replaces lysine, which is basic and polar, with glutamic acid, which is acidic and polar, at codon 461 of the WASHC5 protein (p.Lys461Glu). This variant is not present in population databases (gnomAD no frequency). This variant has not been reported in the literature in individuals affected with WASHC5-related conditions. Invitae Evidence Modeling of protein sequence and biophysical properties (such as structural, functional, and spatial information, amino acid conservation, physicochemical variation, residue mobility, and thermodynamic stability) indicates that this missense variant is expected to disrupt WASHC5 protein function with a positive predictive value of 80%. In summary, the available evidence is currently insufficient to determine the role of this variant in disease. Therefore, it has been classified as a Variant of Uncertain Significance.